The following is an entry in ClinVar:

NM_001909.5(CTSD):c.228C>T (p.Asp76=)

Genes: CTSD (cathepsin D; minus strand), PRADX (PRC2 and DDX5 associated lncRNA; plus strand). Cytogenetic location: 11p15.5.
Variant type: single nucleotide variant.
Coding change: c.228C>T on transcript NM_001909.5 (MANE Select); coding-DNA position 228, C replaced by T.
Protein change: p.Asp76=; no amino-acid change (aspartic acid 76 retained).
Molecular consequence: synonymous variant.
Genome position (GRCh38, 1-based): chr11:1,761,309, G>A on the plus strand (C>T on the coding strand, the complement: CTSD is on the minus strand). VCF-style: chr11-1761309-G-A. GRCh37 (hg19) VCF-style: chr11-1782539-G-A.
Other names: p.D76D:GAC>GAT.
Identifiers: ClinVar variation 137048 (VCV000137048.8), dbSNP rs587780914, ClinGen allele CA290537.

ClinVar aggregate classification (germline): Conflicting classifications of pathogenicity. Review status: criteria provided, conflicting classifications (1 of 4 stars). 2 submissions from 2 submitters: Uncertain significance (1); Benign (1). Last evaluated 2024-02-23.

Conditions:
Neuronal ceroid lipofuscinosis. Also called: Neuronal Ceroid Lipofuscinoses. Identifiers: Orphanet 216, Orphanet 79263, MedGen C0027877, MONDO:0016295. Disease mechanism: loss of function.

Allele frequency attached by ClinVar (database versions not stated): ExAC 0.00001; gnomAD exomes 0.00001 and 0.00002; TOPMed 0.00001.
gnomAD v4.1: 23 of 1,613,658 alleles (0.0014%); highest among the groups gnomAD compares: Non-Finnish European, 0.0017%; no homozygotes.

Submissions (2):

Labcorp Genetics (formerly Invitae), Labcorp
Classification: Uncertain significance for Neuronal ceroid lipofuscinosis. Last evaluated: 2024-02-23. Review status: criteria provided, single submitter. Criteria: Invitae Variant Classification Sherloc (09022015). Collection method: clinical testing. Allele origin: germline.
Comment: This sequence change affects codon 76 of the CTSD mRNA. It is a 'silent' change, meaning that it does not change the encoded amino acid sequence of the CTSD protein. It affects a nucleotide within the consensus splice site. This variant is present in population databases (rs587780914, gnomAD 0.002%). This variant has not been reported in the literature in individuals affected with CTSD-related conditions. ClinVar contains an entry for this variant (Variation ID: 137048). Algorithms developed to predict the effect of sequence changes on RNA splicing suggest that this variant is not likely to affect RNA splicing. In summary, the available evidence is currently insufficient to determine the role of this variant in disease. Therefore, it has been classified as a Variant of Uncertain Significance.

GeneDx
Classification: Benign. Last evaluated: 2014-04-23. Review status: criteria provided, single submitter. Criteria: GeneDx Variant Classification (06012015). Collection method: clinical testing. Allele origin: germline. Affected: yes.
Comment: This variant is considered likely benign or benign based on one or more of the following criteria: it is a conservative change, it occurs at a poorly conserved position in the protein, it is predicted to be benign by multiple in silico algorithms, and/or has population frequency not consistent with disease.